The following is an entry in ClinVar:

ClinVar aggregate classification (germline): Likely benign (1 of 4 stars; one submission).

gnomAD v4.1: 806 of 1,592,804 alleles (0.051%); highest among the groups gnomAD compares: African/African-American, 0.95%; 18 homozygotes.

Submission:

CeGaT Center for Human Genetics Tuebingen
Classification: Likely benign. Last evaluated: 2024-09-01. Review status: criteria provided, single submitter. Criteria: CeGaT Center For Human Genetics Tuebingen Variant Classification Criteria Version 2. Collection method: clinical testing. Allele origin: germline. Affected: yes. Observed: 1 variant allele.
Comment: POTEJ: BP4, BP7, BS2

NM_001277083.2(POTEJ):c.2208C>T (p.His736=)

Gene: POTEJ (POTE ankyrin domain family member J; plus strand). Cytogenetic location: 2q21.1.
Variant type: single nucleotide variant.
Coding change: c.2208C>T on transcript NM_001277083.2 (MANE Select); coding-DNA position 2208, C replaced by T.
Protein change: p.His736=; no amino-acid change (histidine 736 retained).
Molecular consequence: synonymous variant.
Genome position (GRCh38, 1-based): chr2:130,656,968, C>T. VCF-style: chr2-130656968-C-T. GRCh37 (hg19) VCF-style: chr2-131414541-C-T.
Identifiers: ClinVar variation 3388206 (VCV003388206.14).